The following is an entry in ClinVar:

ClinVar aggregate classification (germline): Uncertain significance. Review status: criteria provided, multiple submitters, no conflicts (2 of 4 stars). 2 submissions from 2 submitters: Uncertain significance (2). Last evaluated 2025-10-21.

Conditions:
Inborn genetic diseases. Identifiers: MedGen C0950123, MeSH D030342.

Allele frequency attached by ClinVar (database versions not stated): ExAC 0.00001; gnomAD exomes 0.00001 and 0.00003; TOPMed 0.00001; gnomAD 0.00002; ESP Exome Variant Server 0.00016.
gnomAD v4.1: 48 of 1,613,156 alleles (0.003%); highest among the groups gnomAD compares: Non-Finnish European, 0.004%; no homozygotes.

Submissions (2):

Labcorp Genetics (formerly Invitae), Labcorp
Classification: Uncertain significance. Last evaluated: 2025-10-21. Review status: criteria provided, single submitter. Criteria: Invitae Variant Classification Sherloc (09022015). Collection method: clinical testing. Allele origin: germline.
Comment: This sequence change replaces serine, which is neutral and polar, with leucine, which is neutral and non-polar, at codon 1113 of the CACNA2D4 protein (p.Ser1113Leu). This variant is present in population databases (rs200044179, gnomAD 0.003%). This variant has not been reported in the literature in individuals affected with CACNA2D4-related conditions. ClinVar contains an entry for this variant (Variation ID: 1005797). An algorithm developed to predict the effect of missense changes on protein structure and function (PolyPhen-2) suggests that this variant is likely to be tolerated. In summary, the available evidence is currently insufficient to determine the role of this variant in disease. Therefore, it has been classified as a Variant of Uncertain Significance.

Ambry Genetics
Classification: Uncertain significance for Inborn genetic diseases. Last evaluated: 2023-12-14. Review status: criteria provided, single submitter. Criteria: Ambry Variant Classification Scheme 2023. Collection method: clinical testing. Allele origin: germline.

NM_172364.5(CACNA2D4):c.3338C>T (p.Ser1113Leu)

Gene: CACNA2D4 (calcium voltage-gated channel auxiliary subunit alpha2delta 4; minus strand). Cytogenetic location: 12p13.33.
Variant type: single nucleotide variant.
Coding change: c.3338C>T on transcript NM_172364.5 (MANE Select); coding-DNA position 3338, C replaced by T.
Protein change: p.Ser1113Leu; replaces serine 1113 with leucine.
Molecular consequence: missense variant.
Genome position (GRCh38, 1-based): chr12:1,793,731, G>A on the plus strand (C>T on the coding strand, the complement: CACNA2D4 is on the minus strand). VCF-style: chr12-1793731-G-A. GRCh37 (hg19) VCF-style: chr12-1902897-G-A.
Other names: c.3338C>T (NM_172364.4); short protein forms S1113L.
Identifiers: ClinVar variation 1005797 (VCV001005797.9), dbSNP rs200044179, ClinGen allele CA6385942.